The following is an entry in ClinVar:

NM_174936.4(PCSK9):c.1354G>C (p.Gly452Arg)

Gene: PCSK9 (proprotein convertase subtilisin/kexin type 9; plus strand). Cytogenetic location: 1p32.3.
Variant type: single nucleotide variant.
Coding change: c.1354G>C on transcript NM_174936.4 (MANE Select); coding-DNA position 1354, G replaced by C.
Protein change: p.Gly452Arg; replaces glycine 452 with arginine.
Molecular consequence: missense variant.
Genome position (GRCh38, 1-based): chr1:55,058,209, G>C. VCF-style: chr1-55058209-G-C. GRCh37 (hg19) VCF-style: chr1-55523882-G-C.
Other names: short protein forms G452R.
Identifiers: ClinVar variation 1170998 (VCV001170998.3), dbSNP rs1173147037, ClinGen allele CA340477662.

ClinVar aggregate classification (germline): Uncertain significance. Review status: criteria provided, multiple submitters, no conflicts (2 of 4 stars). 2 submissions from 2 submitters: Uncertain significance (2). Last evaluated 2024-03-05.

Conditions:
Familial hypercholesterolemia. Also called: Familial hypercholesterolaemia; Familial hypercholesterolemias. Identifiers: MedGen C0020445, MONDO:0005439.
Hypercholesterolemia, autosomal dominant, 3 (FHCL3). Also called: Familial hypercholesterolemia 3; Familial Hypercholesterolemia, Autosomal Dominant, 3; PCSK9-Related Familial Hypercholesterolemia, Autosomal Dominant. Identifiers: MedGen C1863551, MONDO:0011369, OMIM 603776.

Allele frequency attached by ClinVar (database versions not stated): gnomAD exomes below 0.00001.
gnomAD v4.1: 1 of 1,611,666 alleles (0.000062%); highest among the groups gnomAD compares: South Asian, 0.0011%; no homozygotes.

Submissions (2):

All of Us Research Program, National Institutes of Health
Classification: Uncertain significance for Hypercholesterolemia, autosomal dominant, 3. Last evaluated: 2024-03-05. Review status: criteria provided, single submitter. Criteria: ACMG Guidelines, 2015. Collection method: clinical testing. Allele origin: germline. Inheritance: Autosomal dominant inheritance. Observed: 1 variant allele, 1 heterozygote.
Comment: This missense variant replaces glycine with arginine at codon 452 of the PCSK9 protein. Computational prediction suggests that this variant may not impact protein structure and function (internally defined REVEL score threshold <= 0.5, PMID: 27666373). To our knowledge, functional studies have not been reported for this variant. This variant has not been reported in individuals affected with familial hypercholesterolemia in the literature. This variant has been identified in 1/247806 chromosomes in the general population by the Genome Aggregation Database (gnomAD). The available evidence is insufficient to determine the role of this variant in disease conclusively. Therefore, this variant is classified as a Variant of Uncertain Significance.

This study involves interpretation of variants in research participants for the purpose of population health screening. Participant phenotype was not available at the time of variant classification. Additional details can be found in publication PMID: 35346344, PMCID: PMC8962531

Color Diagnostics, LLC DBA Color Health
Classification: Uncertain significance for Familial hypercholesterolemia. Last evaluated: 2020-06-22. Review status: criteria provided, single submitter. Criteria: ACMG Guidelines, 2015. Collection method: clinical testing. Allele origin: germline.
Comment: This missense variant replaces glycine with arginine at codon 452 of the PCSK9 protein. Computational prediction suggests that this variant may not impact protein structure and function (internally defined REVEL score threshold <= 0.5, PMID: 27666373). To our knowledge, functional studies have not been reported for this variant. This variant has not been reported in individuals affected with familial hypercholesterolemia in the literature. This variant has been identified in 1/247806 chromosomes in the general population by the Genome Aggregation Database (gnomAD). The available evidence is insufficient to determine the role of this variant in disease conclusively. Therefore, this variant is classified as a Variant of Uncertain Significance.